The following is an entry in ClinVar:

NM_005120.3(MED12):c.6177_6194dup (p.Gln2076_Tyr2077insGlnGlnGlnGlnGlnGln)

Gene: MED12 (mediator complex subunit 12; plus strand). Cytogenetic location: Xq13.1.
Variant type: Duplication.
Coding change: c.6177_6194dup on transcript NM_005120.3 (MANE Select); coding-DNA positions 6177 to 6194, 18 bases duplicated (ACAGCAACAGCAGCAGCA).
Protein change: p.Gln2076_Tyr2077insGlnGlnGlnGlnGlnGln.
Molecular consequence: inframe insertion.
Genome position (GRCh38, 1-based): chrX:71,140,767-71,140,784, ACAGCAACAGCAGCAGCA duplicated; duplicating any 18 consecutive bases within chrX:71,140,759-71,140,784 gives the same sequence; the c. name uses the placement nearest the transcript's 3' end. VCF-style (leftmost placement, unchanged base first): chrX-71140758-A-ACAGCAGCAACAGCAACAG. GRCh37 (hg19) VCF-style: chrX-70360608-A-ACAGCAGCAACAGCAACAG.
Identifiers: ClinVar variation 2902282 (VCV002902282.3), dbSNP rs2519720988, ClinGen allele CA2694028551.
Genomic context (GRCh38, chrX:71,140,758, plus strand): 5'-GGGCGTCCAGGCAGGCGTCCGTTCAACAGCCATCCTACCTGAGCAGCAGCAGCAGCAGCA[A>ACAGCAGCAACAGCAACAG]CAGCAGCAACAGCAACAGCAGCAGCAGCAGCAACAGCAACAGCAGCAGCAGCAGCAGCAG-3'

ClinVar aggregate classification (germline): Uncertain significance (1 of 4 stars; one submission).

Conditions:
FG syndrome (FGS). Identifiers: MedGen C0220769, MONDO:0002010.

Submission:

Labcorp Genetics (formerly Invitae), Labcorp
Classification: Uncertain significance for FG syndrome. Last evaluated: 2023-06-19. Review status: criteria provided, single submitter. Criteria: Invitae Variant Classification Sherloc (09022015). Collection method: clinical testing. Allele origin: germline.
Comment: In summary, the available evidence is currently insufficient to determine the role of this variant in disease. Therefore, it has been classified as a Variant of Uncertain Significance. This variant has not been reported in the literature in individuals affected with MED12-related conditions. This variant is not present in population databases (gnomAD no frequency). This variant, c.6177_6194dup, results in the insertion of 6 amino acid(s) of the MED12 protein (p.Gln2071_Gln2076dup), but otherwise preserves the integrity of the reading frame.